The following is an entry in ClinVar:

NM_025103.4(IFT74):c.1399C>T (p.Gln467Ter)

Gene: IFT74 (intraflagellar transport 74; plus strand). Cytogenetic location: 9p21.2.
Variant type: single nucleotide variant.
Coding change: c.1399C>T on transcript NM_025103.4 (MANE Select); coding-DNA position 1399, C replaced by T.
Protein change: p.Gln467Ter; replaces glutamine 467 with a stop codon.
Molecular consequence: nonsense.
Genome position (GRCh38, 1-based): chr9:27,055,674, C>T. VCF-style: chr9-27055674-C-T. GRCh37 (hg19) VCF-style: chr9-27055672-C-T.
Other names: c.1399C>T, p.Gln467Ter (NM_001099222.3, NM_001099223.3, NM_001349928.2); short protein forms Q467*.
Identifiers: ClinVar variation 2101851 (VCV002101851.4), dbSNP rs2489720722, ClinGen allele CA373128108.

ClinVar aggregate classification (germline): Pathogenic (1 of 4 stars; one submission).

Allele frequency attached by ClinVar (database versions not stated): gnomAD exomes below 0.00001.
gnomAD v4.1: 2 of 1,592,946 alleles (0.00013%); highest among the groups gnomAD compares: Non-Finnish European, 0.00017%; no homozygotes.

Submission:

Labcorp Genetics (formerly Invitae), Labcorp
Classification: Pathogenic. Last evaluated: 2024-01-22. Review status: criteria provided, single submitter. Criteria: Invitae Variant Classification Sherloc (09022015). Collection method: clinical testing. Allele origin: germline.
Comment: This sequence change creates a premature translational stop signal (p.Gln467*) in the IFT74 gene. It is expected to result in an absent or disrupted protein product. Loss-of-function variants in IFT74 are known to be pathogenic (PMID: 33531668). This variant is not present in population databases (gnomAD no frequency). This variant has not been reported in the literature in individuals affected with IFT74-related conditions. ClinVar contains an entry for this variant (Variation ID: 2101851). For these reasons, this variant has been classified as Pathogenic.

Literature cited by the submitters: PubMed 33531668.